The following is an entry in ClinVar:

NM_000282.4(PCCA):c.889C>T (p.Gln297Ter)

Gene: PCCA (propionyl-CoA carboxylase subunit alpha; plus strand). Cytogenetic location: 13q32.3.
Variant type: single nucleotide variant.
Coding change: c.889C>T on transcript NM_000282.4 (MANE Select); coding-DNA position 889, C replaced by T.
Protein change: p.Gln297Ter; replaces glutamine 297 with a stop codon.
Molecular consequence: nonsense. On other transcripts: 5 prime UTR variant (3), non-coding transcript variant (5).
Genome position (GRCh38, 1-based): chr13:100,268,758, C>T. VCF-style: chr13-100268758-C-T. GRCh37 (hg19) VCF-style: chr13-100921012-C-T.
Other names: c.811C>T, p.Gln271Ter (NM_001127692.3, NM_001352607.2, NM_001352608.2); c.889C>T, p.Gln297Ter (NM_001178004.2, NM_001352605.2, NM_001352606.2 and 1 more transcripts); c.-57C>T (NM_001352610.2, NM_001352611.2, NM_001352612.2); c.889C>T (NM_000282.3); short protein forms Q271*, Q297*.
Identifiers: ClinVar variation 2677500 (VCV002677500.2), dbSNP rs2547958051, ClinGen allele CA388694603.
Genomic context (GRCh38, chr13:100,268,758, plus strand): 5'-GATAAACATGGGAATGCTTTATGGCTTAATGAAAGAGAGTGCTCAATTCAGAGAAGAAAT[C>T]AGAAGGTGGTGGAGGAAGCACCAAGGTAAGTCTCCTAAGAAACATTTATAAAGCGGCTGC-3'

ClinVar aggregate classification (germline): Likely pathogenic. Review status: criteria provided, multiple submitters, no conflicts (2 of 4 stars). 2 submissions from 2 submitters: Likely pathogenic (2). Last evaluated 2026-01-20.

Conditions:
Propionic acidemia (PROP). Also called: GLYCINEMIA, KETOTIC; HYPERGLYCINEMIA WITH KETOACIDOSIS AND LEUKOPENIA; KETOTIC HYPERGLYCINEMIA. Identifiers: Orphanet 35, MedGen C0268579, MONDO:0011628, OMIM 606054, HP:0003571.

Submissions (2):

Natera, Inc.
Classification: Likely pathogenic for Propionic acidemia. Last evaluated: 2026-01-20. Review status: criteria provided, single submitter. Criteria: Natera Variant Classification Schema (03/2026). Collection method: clinical testing. Allele origin: germline.
Comment: The c.889C>T variant in PCCA is a nonsense variant predicted to introduce a stop codon at amino acid 297. This variant is expected to result in nonsense mediated decay, truncation, or a dysfunctional protein product. This variant is rare in the general population with a frequency below the threshold expected for the associated phenotype(s). Given the available evidence, this variant is classified as Likely Pathogenic.

Baylor Genetics
Classification: Likely pathogenic for Propionic acidemia. Last evaluated: 2023-06-01. Review status: criteria provided, single submitter. Criteria: ACMG Guidelines, 2015. Collection method: clinical testing. Allele origin: unknown.